The following is an entry in ClinVar:

ClinVar aggregate classification (germline): Uncertain significance (1 of 4 stars; one submission).

gnomAD v4.1: 1 of 1,612,074 alleles (0.000062%); highest among the groups gnomAD compares: African/African-American, 0.0013%; no homozygotes.

Submission:

GeneDx
Classification: Uncertain significance. Last evaluated: 2026-06-02. Review status: criteria provided, single submitter. Criteria: GeneDx Variant Classification Process June 2021. Collection method: clinical testing. Allele origin: germline.
Comment: Not observed at significant frequency in large population cohorts (gnomAD); In silico analysis supports that this missense variant has a deleterious effect on protein structure/function; Has not been previously published as pathogenic or benign to our knowledge; Reported using an alternate transcript of the gene

NM_001913.5(CUX1):c.1271T>C (p.Leu424Pro)

Gene: CUX1 (cut like homeobox 1; plus strand). Cytogenetic location: 7q22.1.
Variant type: single nucleotide variant.
Coding change: c.1271T>C on transcript NM_001913.5 (MANE Plus Clinical); coding-DNA position 1271, T replaced by C.
Protein change: p.Leu424Pro; replaces leucine 424 with proline.
Molecular consequence: missense variant.
Genome position (GRCh38, 1-based): chr7:102,273,381, T>C. VCF-style: chr7-102273381-T-C. GRCh37 (hg19) VCF-style: chr7-101916652-T-C.
Other names: c.1223T>C, p.Leu408Pro (NM_001202544.3); c.1133T>C, p.Leu378Pro (NM_001202545.3); c.1154T>C, p.Leu385Pro (NM_001202546.3); c.1265T>C, p.Leu422Pro (NM_181500.4); short protein forms L378P, L385P, L408P, L422P, L424P.
Identifiers: ClinVar variation 3900829 (VCV003900829.2).
Genomic context (GRCh38, chr7:102,273,381, plus strand): 5'-TCCCACCAGGCTCCCTCTGACGGCCATGTCTTCCTTTGGCCACAGGACGCTGTGCGGAGC[T>C]GCAAGTCCGTATCACTGAGGCTGTGGCCACAGCCACTGAGCAGAGAGAGCTGATCGCCCG-3'
Protein context (NP_001904.2, residues 414-434): NSDLSGRCAE[Leu424Pro]QVRITEAVAT